The following is an entry in ClinVar:

ClinVar aggregate classification (germline): Uncertain significance. Review status: criteria provided, multiple submitters, no conflicts (2 of 4 stars). 8 submissions from 8 submitters: Uncertain significance (7). 1 of the submissions does not count toward it. Last evaluated 2026-01-21.

Conditions:
DCTN1-related disorder. Also called: DCTN1-related condition.
Amyotrophic lateral sclerosis type 1 (ALS1). Also called: AMYOTROPHIC LATERAL SCLEROSIS 1, FAMILIAL. Identifiers: Orphanet 803, MedGen C1862939, MONDO:0007103, OMIM 105400.
Perry syndrome. Also called: PARKINSONISM WITH ALVEOLAR HYPOVENTILATION AND MENTAL DEPRESSION. Identifiers: Orphanet 178509, MedGen C1868594, MONDO:0008201, OMIM 168605.
Neuronopathy, distal hereditary motor, type 7B. Also called: HMN VIIB; NEURONOPATHY, DISTAL HEREDITARY MOTOR, AUTOSOMAL DOMINANT 14; NEURONOPATHY, DISTAL HEREDITARY MOTOR, HARDING TYPE VIIB; NEUROPATHY, DISTAL HEREDITARY MOTOR, HARDING TYPE VIIB; NEUROPATHY, DISTAL HEREDITARY MOTOR, WITH VOCAL CORD PARALYSIS, HARDING TYPE VIIB; Distal Hereditary Motor Neuronopathy Type 7B (dHMN7B). Identifiers: Orphanet 139589, MedGen C1843315, MONDO:0011879, OMIM 607641.
Inborn genetic diseases. Identifiers: MedGen C0950123, MeSH D030342.

Allele frequency attached by ClinVar (database versions not stated): gnomAD exomes 0.00006 and 0.00008; gnomAD 0.00007 and 0.00008; TOPMed 0.00009; ExAC 0.00011; ESP Exome Variant Server 0.00023.
gnomAD v4.1: 119 of 1,613,796 alleles (0.0074%); highest among the groups gnomAD compares: Non-Finnish European, 0.0095%; no homozygotes.

Submissions (8):

PreventionGenetics, part of Exact Sciences
Classification: Uncertain significance for DCTN1-related condition. Last evaluated: 2026-01-21. Review status: criteria provided, single submitter. Criteria: ACMG Guidelines, 2015. Collection method: clinical testing. Allele origin: germline.
Comment: The DCTN1 c.100G>C variant is predicted to result in the amino acid substitution p.Glu34Gln. This variant was reported in one patient with a motor neuron disease, but was also detected in one control (Stockmann et al. 2013. PubMed ID: 23143281). This variant was also reported as a variant of uncertain significance in a patient with amyotrophic lateral sclerosis (Nel et al. 2022. PubMed ID: 35047667). This variant is reported in 0.012% of alleles in individuals of European (non-Finnish) descent in gnomAD. At this time, the clinical significance of this variant is uncertain due to the absence of conclusive functional and genetic evidence.

Labcorp Genetics (formerly Invitae), Labcorp
Classification: Uncertain significance for Amyotrophic lateral sclerosis type 1; Neuronopathy, distal hereditary motor, type 7B; Perry syndrome. Last evaluated: 2025-12-01. Review status: criteria provided, single submitter. Criteria: Invitae Variant Classification Sherloc (09022015). Collection method: clinical testing. Allele origin: germline.
Comment: This sequence change replaces glutamic acid, which is acidic and polar, with glutamine, which is neutral and polar, at codon 34 of the DCTN1 protein (p.Glu34Gln). This variant is present in population databases (rs151052060, gnomAD 0.01%). This missense change has been observed in individual(s) with clinical features of DCTN1-related conditions (PMID: 23143281, 35047667). ClinVar contains an entry for this variant (Variation ID: 808781). Invitae Evidence Modeling of protein sequence and biophysical properties (such as structural, functional, and spatial information, amino acid conservation, physicochemical variation, residue mobility, and thermodynamic stability) indicates that this missense variant is not expected to disrupt DCTN1 protein function with a negative predictive value of 95%. Experimental studies are conflicting or provide insufficient evidence to determine the effect of this variant on DCTN1 function (PMID: 23143281). In summary, the available evidence is currently insufficient to determine the role of this variant in disease. Therefore, it has been classified as a Variant of Uncertain Significance.

Mayo Clinic Laboratories, Mayo Clinic
Classification: Uncertain significance. Last evaluated: 2025-09-30. Review status: criteria provided, single submitter. Criteria: ACMG Guidelines, 2015. Collection method: clinical testing. Allele origin: germline. Observed: 2 variant alleles.
Comment: PP3

Fulgent Genetics
Classification: Uncertain significance for Amyotrophic lateral sclerosis type 1; Perry syndrome; Neuronopathy, distal hereditary motor, type 7B. Last evaluated: 2021-11-04. Review status: criteria provided, single submitter. Criteria: ACMG Guidelines, 2015. Collection method: clinical testing. Allele origin: unknown.

GeneDx
Classification: Uncertain significance. Last evaluated: 2020-03-18. Review status: criteria provided, single submitter. Criteria: GeneDx Variant Classification Process June 2021. Collection method: clinical testing. Allele origin: germline. Affected: yes.
Comment: In silico analysis supports that this missense variant has a deleterious effect on protein structure/function; In silico analysis, which includes splice predictors and evolutionary conservation, suggests this variant may impact gene splicing. In the absence of RNA/functional studies, the actual effect of this sequence change is unknown.; Published functional studies suggest this variant results in subtle changes in cellular localization, but the biological relevance of this finding is unknown (Stockmann et al., 2013); Identified in a patient with motor neuron disease in published literature, however, this variant was also observed in a healthy control (Stockmann et al., 2013); This variant is associated with the following publications: (PMID: 23143281)

Ambry Genetics
Classification: Uncertain significance for Inborn genetic diseases. Last evaluated: 2019-10-25. Review status: criteria provided, single submitter. Criteria: Ambry Variant Classification Scheme 2023. Collection method: clinical testing. Allele origin: germline.
Comment: The p.E34Q variant (also known as c.100G>C), located in coding exon 2 of the DCTN1 gene, results from a G to C substitution at nucleotide position 100. The glutamic acid at codon 34 is replaced by glutamine, an amino acid with highly similar properties. Functional studies have shown that the p.E34Q variant produces abnormal cellular localization (Stockmann M et al. J Neural Transm (Vienna), 2013 May;120:785-98). This amino acid position is highly conserved in available vertebrate species. In addition, this alteration is predicted to be deleterious by in silico analysis. Since supporting evidence is limited at this time, the clinical significance of this alteration remains unclear.

CeGaT Center for Human Genetics Tuebingen
Classification: Uncertain significance. Last evaluated: 2019-04-01. Review status: criteria provided, single submitter. Criteria: CeGaT Center For Human Genetics Tuebingen Variant Classification Criteria Version 2. Collection method: clinical testing. Allele origin: germline. Affected: yes. Observed: 1 variant allele.

Inherited Neuropathy Consortium Ii, University Of Miami
Classification: Uncertain significance for Perry syndrome. Last evaluated: 2016-01-06. Review status: no assertion criteria provided. Collection method: literature only. Allele origin: germline. Affected: yes. Not counted in ClinVar's aggregate classification.

Literature cited by the submitters: PubMed 23143281 (cited by 4 submitters); PubMed 35047667 (cited by Labcorp Genetics (formerly Invitae), Labcorp and Mayo Clinic Laboratories, Mayo Clinic).

NM_004082.5(DCTN1):c.100G>C (p.Glu34Gln)

Gene: DCTN1 (dynactin subunit 1; minus strand). Cytogenetic location: 2p13.1.
Variant type: single nucleotide variant.
Coding change: c.100G>C on transcript NM_004082.5 (MANE Select); coding-DNA position 100, G replaced by C.
Protein change: p.Glu34Gln; replaces glutamic acid 34 with glutamine.
Molecular consequence: missense variant. On other transcripts: non-coding transcript variant (1).
Genome position (GRCh38, 1-based): chr2:74,378,179, C>G on the plus strand (G>C on the coding strand, the complement: DCTN1 is on the minus strand). VCF-style: chr2-74378179-C-G. GRCh37 (hg19) VCF-style: chr2-74605306-C-G.
Other names: p.Glu34Gln; c.100G>C, p.Glu34Gln (NM_001135040.3, NM_001190837.2); c.49G>C, p.Glu17Gln (NM_001190836.2, NM_001378991.1, NM_001378992.1); short protein forms E34Q, E17Q.
Identifiers: ClinVar variation 808781 (VCV000808781.57), dbSNP rs151052060, ClinGen allele CA1722602.